The following is an entry in ClinVar:

NM_005861.4(STUB1):c.888G>T (p.Glu296Asp)

Genes: JMJD8 (jumonji domain containing 8; minus strand), STUB1 (STIP1 homology and U-box containing protein 1; plus strand). Cytogenetic location: 16p13.3.
Variant type: single nucleotide variant.
Coding change: c.888G>T on transcript NM_005861.4 (MANE Select); coding-DNA position 888, G replaced by T.
Protein change: p.Glu296Asp; replaces glutamic acid 296 with aspartic acid.
Molecular consequence: missense variant. On other transcripts: 3 prime UTR variant (5), non-coding transcript variant (3).
Genome position (GRCh38, 1-based): chr16:682,465, G>T. VCF-style: chr16-682465-G-T. GRCh37 (hg19) VCF-style: chr16-732465-G-T.
Other names: c.672G>T, p.Glu224Asp (NM_001293197.2); c.*329C>A (NM_001005920.4, NM_001323919.3, NM_001323920.3); c.*363C>A (NM_001323918.3, NM_001323922.3); short protein forms E224D, E296D.
Identifiers: ClinVar variation 3253121 (VCV003253121.1), dbSNP rs3204090.

ClinVar aggregate classification (germline): Uncertain significance (1 of 4 stars; one submission).

Submission:

GeneDx
Classification: Uncertain significance. Last evaluated: 2023-12-12. Review status: criteria provided, single submitter. Criteria: GeneDx Variant Classification Process June 2021. Collection method: clinical testing. Allele origin: germline. Affected: yes.
Comment: Not observed at significant frequency in large population cohorts (gnomAD); In silico analysis supports that this missense variant does not alter protein structure/function; Has not been previously published as pathogenic or benign to our knowledge